The following is an entry in ClinVar:

ClinVar aggregate classification (germline): Uncertain significance. Review status: criteria provided, multiple submitters, no conflicts (2 of 4 stars). 2 submissions from 2 submitters: Uncertain significance (2). Last evaluated 2022-12-06.

Conditions:
Familial adenomatous polyposis 1 (FAP1). Also called: FAMILIAL ADENOMATOUS POLYPOSIS 1, ATTENUATED; POLYPOSIS, ADENOMATOUS INTESTINAL. Identifiers: MedGen C2713442, MONDO:0021056, OMIM 175100. Disease mechanism: loss of function.
Hereditary cancer-predisposing syndrome. Also called: Hereditary neoplastic syndrome; Neoplastic Syndromes, Hereditary; Tumor predisposition; Hereditary Cancer Syndrome. Identifiers: Orphanet 140162, MedGen C0027672, MeSH D009386, MONDO:0015356.

Submissions (2):

Ambry Genetics
Classification: Uncertain significance for Hereditary cancer-predisposing syndrome. Last evaluated: 2022-12-06. Review status: criteria provided, single submitter. Criteria: Ambry Variant Classification Scheme 2023. Collection method: clinical testing. Allele origin: germline.
Comment: The p.H361Y variant (also known as c.1081C>T), located in coding exon 9 of the APC gene, results from a C to T substitution at nucleotide position 1081. The histidine at codon 361 is replaced by tyrosine, an amino acid with similar properties. This alteration was detected in a patient with hepatoblastoma (Yang A et al. Pediatr Blood Cancer, 2018 Apr;65). This amino acid position is highly conserved in available vertebrate species. In addition, in silico predictors for this gene do not accurately predict pathogenicity. Since supporting evidence is limited at this time, the clinical significance of this alteration remains unclear.

Labcorp Genetics (formerly Invitae), Labcorp
Classification: Uncertain significance for Familial adenomatous polyposis 1. Last evaluated: 2019-11-14. Review status: criteria provided, single submitter. Criteria: Invitae Variant Classification Sherloc (09022015). Collection method: clinical testing. Allele origin: germline.
Comment: In summary, the available evidence is currently insufficient to determine the role of this variant in disease. Therefore, it has been classified as a Variant of Uncertain Significance. Algorithms developed to predict the effect of missense changes on protein structure and function are either unavailable or do not agree on the potential impact of this missense change (SIFT: "Tolerated"; PolyPhen-2: "Probably Damaging"; Align-GVGD: "Class C0"). This variant has not been reported in the literature in individuals with APC-related conditions. This variant is not present in population databases (ExAC no frequency). This sequence change replaces histidine with tyrosine at codon 361 of the APC protein (p.His361Tyr). The histidine residue is highly conserved and there is a moderate physicochemical difference between histidine and tyrosine.

Literature cited by the submitters: PubMed 29251405 (cited by Ambry Genetics).

NM_000038.6(APC):c.1081C>T (p.His361Tyr)

Gene: APC (APC regulator of Wnt signaling pathway; plus strand). Cytogenetic location: 5q22.2.
Variant type: single nucleotide variant.
Coding change: c.1081C>T on transcript NM_000038.6 (MANE Select); coding-DNA position 1081, C replaced by T.
Protein change: p.His361Tyr; replaces histidine 361 with tyrosine.
Molecular consequence: missense variant. On other transcripts: intron variant (4).
Genome position (GRCh38, 1-based): chr5:112,819,113, C>T. VCF-style: chr5-112819113-C-T. GRCh37 (hg19) VCF-style: chr5-112154810-C-T.
Other names: c.1081C>T, p.His361Tyr (NM_001127510.3, NM_001354895.2, NM_001354896.2); c.1027C>T, p.His343Tyr (NM_001127511.3); c.1111C>T, p.His371Tyr (NM_001354897.2); c.1006C>T, p.His336Tyr (NM_001354898.2); c.997C>T, p.His333Tyr (NM_001354899.2); c.904C>T, p.His302Tyr (NM_001354900.2, NM_001354901.2); c.232C>T, p.His78Tyr (NM_001354906.2); c.964-156C>T (NM_001354902.2); and 3 more; short protein forms H333Y, H371Y, H78Y, H302Y, H361Y, H336Y, H343Y.
Identifiers: ClinVar variation 941057 (VCV000941057.13), dbSNP rs1762828512, ClinGen allele CA16023677.